The following is an entry in ClinVar:

NM_007186.6(CEP250):c.1826C>T (p.Ala609Val)

Genes: CEP250 (centrosomal protein 250; plus strand), CEP250-AS1 (CEP250 antisense RNA 1; minus strand). Cytogenetic location: 20q11.22.
Variant type: single nucleotide variant.
Coding change: c.1826C>T on transcript NM_007186.6 (MANE Select); coding-DNA position 1826, C replaced by T.
Protein change: p.Ala609Val; replaces alanine 609 with valine.
Molecular consequence: missense variant. On other transcripts: 5 prime UTR variant (1).
Genome position (GRCh38, 1-based): chr20:35,476,558, C>T. VCF-style: chr20-35476558-C-T. GRCh37 (hg19) VCF-style: chr20-34064383-C-T.
Other names: c.-74C>T (NM_001318219.1); short protein forms A609V.
Identifiers: ClinVar variation 859101 (VCV000859101.10), dbSNP rs145878385, ClinGen allele CA9833036.

ClinVar aggregate classification (germline): Conflicting classifications of pathogenicity. Review status: criteria provided, conflicting classifications (1 of 4 stars). 6 submissions from 6 submitters: Uncertain significance (4); Likely benign (1). 1 of the submissions does not count toward it. Last evaluated 2024-11-04.

Conditions:
CEP250-related disorder. Also called: CEP250-related condition.
Cone-rod dystrophy and hearing loss 2 (CRDHL2). Identifiers: MedGen C5193051, MONDO:0020780, OMIM 618358.
Retinal dystrophy. Also called: Inherited retinal dystrophy. Identifiers: Orphanet 71862, MedGen C0854723, MeSH D058499, MONDO:0019118, HP:0000556.

Allele frequency attached by ClinVar (database versions not stated): 1000 Genomes Project 30x 0.00047; TOPMed 0.00031; 1000 Genomes Project 0.00040; ESP Exome Variant Server 0.00015; gnomAD 0.00020.
gnomAD v4.1: 279 of 1,613,708 alleles (0.017%); highest among the groups gnomAD compares: Middle Eastern, 0.45%; 2 homozygotes.

Submissions (6):

Blueprint Genetics
Classification: Uncertain significance. Last evaluated: 2024-11-04. Review status: criteria provided, single submitter. Criteria: ACMG Guidelines, 2015. Collection method: clinical testing. Allele origin: germline.

Department of Pathology and Laboratory Medicine, Sinai Health System
Classification: Likely benign for Cone-rod dystrophy and hearing loss 2. Last evaluated: 2023-01-27. Review status: criteria provided, single submitter. Criteria: ACMG Guidelines, 2015. Collection method: research. Allele origin: germline.

Labcorp Genetics (formerly Invitae), Labcorp
Classification: Uncertain significance. Last evaluated: 2022-10-04. Review status: criteria provided, single submitter. Criteria: Invitae Variant Classification Sherloc (09022015). Collection method: clinical testing. Allele origin: germline.
Comment: This sequence change replaces alanine, which is neutral and non-polar, with valine, which is neutral and non-polar, at codon 609 of the CEP250 protein (p.Ala609Val). This variant is present in population databases (rs145878385, gnomAD 0.2%). This missense change has been observed in individual(s) with clinical features of retinitis pigmentosa (PMID: 28005958). ClinVar contains an entry for this variant (Variation ID: 859101). Algorithms developed to predict the effect of missense changes on protein structure and function are either unavailable or do not agree on the potential impact of this missense change (SIFT: "Not Available"; PolyPhen-2: "Probably Damaging"; Align-GVGD: "Not Available"). Experimental studies have shown that this missense change affects CEP250 function (PMID: 28005958). In summary, the available evidence is currently insufficient to determine the role of this variant in disease. Therefore, it has been classified as a Variant of Uncertain Significance.

SIB Swiss Institute of Bioinformatics
Classification: Uncertain significance for Retinal dystrophy. Last evaluated: 2020-02-14. Review status: criteria provided, single submitter. Criteria: ACMG Guidelines, 2015. Collection method: curation. Allele origin: unknown.
Comment: This variant is interpreted as a variant of uncertain significance for retinal dystrophy, autosomal recessive. The following ACMG Tag(s) were applied: PP1, PS3-supporting.

Breakthrough Genomics
Classification: Uncertain significance. Review status: criteria provided, single submitter. Criteria: ACMG Guidelines, 2015. Collection method: not provided. Allele origin: germline. Inheritance: Autosomal dominant inheritance. Affected: yes.

PreventionGenetics, part of Exact Sciences
Classification: Likely benign for CEP250-related condition. Last evaluated: 2024-07-15. Review status: no assertion criteria provided. Collection method: clinical testing. Allele origin: germline. Not counted in ClinVar's aggregate classification.
Comment: This variant is classified as likely benign based on ACMG/AMP sequence variant interpretation guidelines (Richards et al. 2015 PMID: 25741868, with internal and published modifications).

Literature cited by the submitters: PubMed 28005958 (cited by Labcorp Genetics (formerly Invitae), Labcorp and SIB Swiss Institute of Bioinformatics).